The following is an entry in ClinVar:

NM_006206.6(PDGFRA):c.448T>C (p.Cys150Arg)

Gene: PDGFRA (platelet derived growth factor receptor alpha; plus strand). Cytogenetic location: 4q12.
Variant type: single nucleotide variant.
Coding change: c.448T>C on transcript NM_006206.6 (MANE Select); coding-DNA position 448, T replaced by C.
Protein change: p.Cys150Arg; replaces cysteine 150 with arginine.
Molecular consequence: missense variant.
Genome position (GRCh38, 1-based): chr4:54,263,747, T>C. VCF-style: chr4-54263747-T-C. GRCh37 (hg19) VCF-style: chr4-55129914-T-C.
Other names: c.448T>C, p.Cys150Arg (NM_001347827.2, NM_001347829.2); c.523T>C, p.Cys175Arg (NM_001347828.2); c.487T>C, p.Cys163Arg (NM_001347830.2); short protein forms C150R, C163R, C175R.
Identifiers: ClinVar variation 528544 (VCV000528544.10), dbSNP rs1173137221, ClinGen allele CA356889847.

ClinVar aggregate classification (germline): Uncertain significance. Review status: criteria provided, multiple submitters, no conflicts (2 of 4 stars). 2 submissions from 2 submitters: Uncertain significance (2). Last evaluated 2025-09-11.

Conditions:
Hereditary cancer-predisposing syndrome. Also called: Tumor predisposition; Hereditary neoplastic syndrome; Hereditary Cancer Syndrome; Neoplastic Syndromes, Hereditary. Identifiers: Orphanet 140162, MedGen C0027672, MeSH D009386, MONDO:0015356.
Gastrointestinal stromal tumor. Also called: Gastrointestinal stroma tumor; Gastrointestinal stromal tumor, somatic. Identifiers: Orphanet 44890, MedGen C0238198, MeSH D046152, MONDO:0011719, OMIM 606764, HP:0100723.

Allele frequency attached by ClinVar (database versions not stated): gnomAD 0.00001.
gnomAD v4.1: 1 of 1,613,984 alleles (0.000062%); highest among the groups gnomAD compares: African/African-American, 0.0013%; no homozygotes.

Submissions (2):

Labcorp Genetics (formerly Invitae), Labcorp
Classification: Uncertain significance for Gastrointestinal stromal tumor. Last evaluated: 2025-09-11. Review status: criteria provided, single submitter. Criteria: Invitae Variant Classification Sherloc (09022015). Collection method: clinical testing. Allele origin: germline.
Comment: This sequence change replaces cysteine, which is neutral and slightly polar, with arginine, which is basic and polar, at codon 150 of the PDGFRA protein (p.Cys150Arg). This variant is present in population databases (no rsID available, gnomAD 0.01%). This variant has not been reported in the literature in individuals affected with PDGFRA-related conditions. ClinVar contains an entry for this variant (Variation ID: 528544). Invitae Evidence Modeling of protein sequence and biophysical properties (such as structural, functional, and spatial information, amino acid conservation, physicochemical variation, residue mobility, and thermodynamic stability) has been performed for this missense variant. However, the output from this modeling did not meet the statistical confidence thresholds required to predict the impact of this variant on PDGFRA protein function. In summary, the available evidence is currently insufficient to determine the role of this variant in disease. Therefore, it has been classified as a Variant of Uncertain Significance.

Ambry Genetics
Classification: Uncertain significance for Hereditary cancer-predisposing syndrome. Last evaluated: 2024-11-09. Review status: criteria provided, single submitter. Criteria: Ambry Variant Classification Scheme 2023. Collection method: clinical testing. Allele origin: germline.
Comment: The p.C150R variant (also known as c.448T>C), located in coding exon 3 of the PDGFRA gene, results from a T to C substitution at nucleotide position 448. The cysteine at codon 150 is replaced by arginine, an amino acid with highly dissimilar properties. This amino acid position is conserved. In addition, this alteration is predicted to be deleterious by in silico analysis. Based on the available evidence, the clinical significance of this variant remains unclear.